The following is an entry in ClinVar:

NM_001277115.2(DNAH11):c.13128C>A (p.Leu4376=)

Gene: DNAH11 (dynein axonemal heavy chain 11; plus strand). Cytogenetic location: 7p15.3.
Variant type: single nucleotide variant.
Coding change: c.13128C>A on transcript NM_001277115.2 (MANE Select); coding-DNA position 13128, C replaced by A.
Protein change: p.Leu4376=; no amino-acid change (leucine 4376 retained).
Molecular consequence: synonymous variant.
Genome position (GRCh38, 1-based): chr7:21,899,414, C>A. VCF-style: chr7-21899414-C-A. GRCh37 (hg19) VCF-style: chr7-21939032-C-A.
Other names: p.Leu4376=.
Identifiers: ClinVar variation 178739 (VCV000178739.31), dbSNP rs56333627, ClinGen allele CA182915.
Genomic context (GRCh38, chr7:21,899,414, plus strand): 5'-GCGATGCCGAGAACTCGATACTTGGACACAAGACCTTACCCTTCCGGCTGTCGTGTGGCT[C>A]TCCGGCTTCTTCAACCCTCAGTCCTTCTTAACTGGTAAGGGCTGACGCAGTGCAGCCCCT-3'
Protein context (NP_001264044.1, residues 4366-4386): QDLTLPAVVW[Leu4376=]SGFFNPQSFL

ClinVar aggregate classification (germline): Benign/Likely benign. Review status: criteria provided, multiple submitters, no conflicts (2 of 4 stars). 10 submissions from 10 submitters: Benign (7); Likely benign (1). 2 of the submissions do not count toward it. Last evaluated 2026-02-04.

Conditions:
Primary ciliary dyskinesia. Also called: Ciliary dyskinesia. Identifiers: Orphanet 244, MedGen C0008780, MONDO:0016575, HP:0012265.
Primary ciliary dyskinesia 7. Also called: CILIARY DYSKINESIA, PRIMARY, 7, WITH OR WITHOUT SITUS INVERSUS. Identifiers: Orphanet 244, MedGen C2678473, MONDO:0012748, OMIM 611884.

Allele frequency attached by ClinVar (database versions not stated): 1000 Genomes Project 30x 0.19191; 1000 Genomes Project 0.19349; TOPMed 0.23584; ESP Exome Variant Server 0.25408.
gnomAD v4.1: 479,098 of 1,613,276 alleles (30%); highest among the groups gnomAD compares: Non-Finnish European, 32%; 74,262 homozygotes.

Submissions (10):

Labcorp Genetics (formerly Invitae), Labcorp
Classification: Benign for Primary ciliary dyskinesia. Last evaluated: 2026-02-04. Review status: criteria provided, single submitter. Criteria: Invitae Variant Classification Sherloc (09022015). Collection method: clinical testing. Allele origin: germline.

Blueprint Genetics
Classification: Benign. Last evaluated: 2024-11-27. Review status: criteria provided, single submitter. Criteria: ACMG Guidelines, 2015. Collection method: clinical testing. Allele origin: germline.

Mayo Clinic Laboratories, Mayo Clinic
Classification: Benign. Last evaluated: 2022-04-26. Review status: criteria provided, single submitter. Criteria: ACMG Guidelines, 2015. Collection method: clinical testing. Allele origin: germline. Observed: 98 variant alleles.

Genome-Nilou Lab
Classification: Benign for Primary ciliary dyskinesia 7. Last evaluated: 2021-07-30. Review status: criteria provided, single submitter. Criteria: ACMG Guidelines, 2015. Collection method: clinical testing. Allele origin: germline. Affected: no.

GeneDx
Classification: Benign. Last evaluated: 2018-11-10. Review status: criteria provided, single submitter. Criteria: GeneDx Variant Classification Process June 2021. Collection method: clinical testing. Allele origin: germline. Affected: yes.

Laboratory for Molecular Medicine, Mass General Brigham Personalized Medicine
Classification: Benign. Last evaluated: 2013-02-21. Review status: criteria provided, single submitter. Criteria: LMM Criteria. Collection method: clinical testing. Allele origin: germline. Observed: 54 variant alleles.
Comment: Leu4376Leu in exon 80 of DNAH11: This variant is not expected to have clinical s ignificance because it does not alter an amino acid residue and is not located w ithin the splice consensus sequence. It has been identified in 32.3% (2682/8308) of European American chromosomes from a broad population by the NHLBI Exome Seq uencing Project (dbSNP rs56333627).

Breakthrough Genomics
Classification: Likely benign. Review status: criteria provided, single submitter. Criteria: ACMG Guidelines, 2015. Collection method: not provided. Allele origin: germline. Inheritance: Autosomal recessive inheritance. Affected: yes.

PreventionGenetics, part of Exact Sciences
Classification: Benign. Review status: criteria provided, single submitter. Criteria: ACMG Guidelines, 2015. Collection method: clinical testing. Allele origin: germline.

Clinical Genetics DNA and cytogenetics Diagnostics Lab, Erasmus MC, Erasmus Medical Center
Classification: Benign. Review status: no assertion criteria provided. Collection method: clinical testing. Allele origin: germline. Affected: yes. Study: VKGL Data-share Consensus. Not counted in ClinVar's aggregate classification.

Diagnostic Laboratory, Department of Genetics, University Medical Center Groningen
Classification: Benign. Review status: no assertion criteria provided. Collection method: clinical testing. Allele origin: germline. Affected: yes. Study: VKGL Data-share Consensus. Not counted in ClinVar's aggregate classification.